The following is an entry in ClinVar:

NM_173076.3(ABCA12):c.5831T>G (p.Leu1944Arg)

Gene: ABCA12 (ATP binding cassette subfamily A member 12; minus strand). Cytogenetic location: 2q35.
Variant type: single nucleotide variant.
Coding change: c.5831T>G on transcript NM_173076.3 (MANE Select); coding-DNA position 5831, T replaced by G.
Protein change: p.Leu1944Arg; replaces leucine 1944 with arginine.
Molecular consequence: missense variant. On other transcripts: non-coding transcript variant (1).
Genome position (GRCh38, 1-based): chr2:214,966,901, A>C on the plus strand (T>G on the coding strand, the complement: ABCA12 is on the minus strand). VCF-style: chr2-214966901-A-C. GRCh37 (hg19) VCF-style: chr2-215831625-A-C.
Other names: c.4877T>G, p.Leu1626Arg (NM_015657.4); short protein forms L1944R, L1626R.
Identifiers: ClinVar variation 385729 (VCV000385729.2), dbSNP rs1057522312, ClinGen allele CA16604112.

ClinVar aggregate classification (germline): Uncertain significance (1 of 4 stars; one submission).

Allele frequency attached by ClinVar (database versions not stated): gnomAD exomes below 0.00001.
gnomAD v4.1: 1 of 1,613,906 alleles (0.000062%); highest among the groups gnomAD compares: Non-Finnish European, 0.000085%; no homozygotes.

Submission:

GeneDx
Classification: Uncertain significance. Last evaluated: 2016-04-18. Review status: criteria provided, single submitter. Criteria: GeneDx Variant Classification (06012015). Collection method: clinical testing. Allele origin: germline. Affected: yes.
Comment: To our knowledge, the L1944R variant has not been reported previously as a pathogenic variant, nor as a benign variant. It was not observed in approximately 6,500 individuals of European and African American ancestry in the NHLBI Exome Sequencing Project, indicating it is not a common benign variant in these populations. The L1944R variant is a non-conservative amino acid substitution, which is likely to impact secondary protein structure as these residues differ in polarity, charge, size and/or other properties. Although this substitution occurs at a position where amino acids with similar properties to Leucine are tolerated across species, in silico analysis predicts this variant is probably damaging to the protein structure/function. Therefore, we interpret L1944R as a variant of uncertain significance.